The following is an entry in ClinVar:

NM_001379291.1(BRD4):c.2356C>T (p.Pro786Ser)

Gene: BRD4 (bromodomain containing 4; minus strand). Cytogenetic location: 19p13.12.
Variant type: single nucleotide variant.
Coding change: c.2356C>T on transcript NM_001379291.1 (MANE Select); coding-DNA position 2356, C replaced by T.
Protein change: p.Pro786Ser; replaces proline 786 with serine.
Molecular consequence: missense variant.
Genome position (GRCh38, 1-based): chr19:15,244,456, G>A on the plus strand (C>T on the coding strand, the complement: BRD4 is on the minus strand). VCF-style: chr19-15244456-G-A. GRCh37 (hg19) VCF-style: chr19-15355267-G-A.
Other names: c.2356C>T, p.Pro786Ser (NM_058243.3); short protein forms P786S.
Identifiers: ClinVar variation 1714034 (VCV001714034.6), dbSNP rs763074040, ClinGen allele CA9264968.

ClinVar aggregate classification (germline): Conflicting classifications of pathogenicity. Review status: criteria provided, conflicting classifications (1 of 4 stars). 2 submissions from 2 submitters: Uncertain significance (1); Likely benign (1). Last evaluated 2026-02-10.

Conditions:
Cornelia de Lange syndrome 6 (CDLS6). Identifiers: MedGen C5882712, MONDO:0957921, OMIM 620568.

Allele frequency attached by ClinVar (database versions not stated): TOPMed below 0.00001; ExAC 0.00002.
gnomAD v4.1: 2 of 1,346,316 alleles (0.00015%); highest among the groups gnomAD compares: South Asian, 0.0025%; no homozygotes.

Submissions (2):

Centre for Medical Genetics,  Mumbai
Classification: Likely benign for Cornelia de Lange syndrome 6. Last evaluated: 2026-02-10. Review status: criteria provided, single submitter. Criteria: ACMG Guidelines, 2015. Collection method: provider interpretation. Allele origin: germline. Inheritance: Autosomal dominant inheritance. Affected: no. Observed: 1 variant allele, 1 heterozygote.
Comment: The variant satisfies PM2 criteria - extremely low frequency in gnomAD population databases. The variant satisfies PP2 criteria - missense variant in a gene with low rate of benign missense mutations and for which missense mutation is a common mechanism of a disease. The variant satisfies BP4 criteria - for a missense or a splice region variant, computational prediction tools unanimously support a benign effect on the gene. However, the variant satisfies BS2 criteria - present in heterozygous state in an individual that clinically does not have cornelia de Lange syndrome.

Labcorp Genetics (formerly Invitae), Labcorp
Classification: Uncertain significance. Last evaluated: 2022-07-28. Review status: criteria provided, single submitter. Criteria: Invitae Variant Classification Sherloc (09022015). Collection method: clinical testing. Allele origin: germline.
Comment: Algorithms developed to predict the effect of missense changes on protein structure and function output the following: SIFT: "Deleterious"; PolyPhen-2: "Possibly Damaging"; Align-GVGD: "Class C65". The serine amino acid residue is found in multiple mammalian species, which suggests that this missense change does not adversely affect protein function. In summary, the available evidence is currently insufficient to determine the role of this variant in disease. Therefore, it has been classified as a Variant of Uncertain Significance. This variant has not been reported in the literature in individuals affected with BRD4-related conditions. The frequency data for this variant in the population databases is considered unreliable, as metrics indicate poor data quality at this position in the gnomAD database. This sequence change replaces proline, which is neutral and non-polar, with serine, which is neutral and polar, at codon 786 of the BRD4 protein (p.Pro786Ser).

Literature cited by the submitters: PubMed 29379197 (cited by Centre for Medical Genetics,  Mumbai).